The following is an entry in ClinVar:

ClinVar aggregate classification (germline): Uncertain significance (1 of 4 stars; one submission).

Conditions:
Leber congenital amaurosis 1 (LCA1). Also called: AMAUROSIS CONGENITA OF LEBER I; RETINAL BLINDNESS, CONGENITAL; Congenital absence of the rods and cones; Leber's congenital tapetoretinal degeneration; Leber's congenital tapetoretinal dysplasia. Identifiers: Orphanet 65, MedGen C2931258, MONDO:0008764, OMIM 204000.
Cone-rod dystrophy 6 (CORD6). Also called: RETINAL CONE DYSTROPHY 2; Cone dystrophy progressive. Identifiers: Orphanet 1872, MedGen C1866293, MONDO:0011143, OMIM 601777.

gnomAD v4.1: 2 of 1,601,230 alleles (0.00012%); highest among the groups gnomAD compares: African/African-American, 0.0027%; no homozygotes.

Submission:

Labcorp Genetics (formerly Invitae), Labcorp
Classification: Uncertain significance for Leber congenital amaurosis 1; Cone-rod dystrophy 6. Last evaluated: 2025-04-16. Review status: criteria provided, single submitter. Criteria: Invitae Variant Classification Sherloc (09022015). Collection method: clinical testing. Allele origin: germline.
Comment: This sequence change replaces alanine, which is neutral and non-polar, with glutamic acid, which is acidic and polar, at codon 353 of the GUCY2D protein (p.Ala353Glu). This variant is not present in population databases (gnomAD no frequency). This missense change has been observed in individual(s) with Leber congenital amaurosis (PMID: 34048777). Invitae Evidence Modeling of protein sequence and biophysical properties (such as structural, functional, and spatial information, amino acid conservation, physicochemical variation, residue mobility, and thermodynamic stability) indicates that this missense variant is not expected to disrupt GUCY2D protein function with a negative predictive value of 80%. In summary, the available evidence is currently insufficient to determine the role of this variant in disease. Therefore, it has been classified as a Variant of Uncertain Significance.

Literature cited by the submitters: PubMed 34048777.

NM_000180.4(GUCY2D):c.1058C>A (p.Ala353Glu)

Gene: GUCY2D (guanylate cyclase 2D, retinal; plus strand). Cytogenetic location: 17p13.1.
Variant type: single nucleotide variant.
Coding change: c.1058C>A on transcript NM_000180.4 (MANE Select); coding-DNA position 1058, C replaced by A.
Protein change: p.Ala353Glu; replaces alanine 353 with glutamic acid.
Molecular consequence: missense variant.
Genome position (GRCh38, 1-based): chr17:8,006,394, C>A. VCF-style: chr17-8006394-C-A. GRCh37 (hg19) VCF-style: chr17-7909712-C-A.
Other names: short protein forms A353E.
Identifiers: ClinVar variation 4790625 (VCV004790625.1).